The following is an entry in ClinVar:

NM_002206.3(ITGA7):c.1756C>A (p.Leu586Ile)

Gene: ITGA7 (integrin subunit alpha 7; minus strand). Cytogenetic location: 12q13.2.
Variant type: single nucleotide variant.
Coding change: c.1756C>A on transcript NM_002206.3 (MANE Select); coding-DNA position 1756, C replaced by A.
Protein change: p.Leu586Ile; replaces leucine 586 with isoleucine.
Molecular consequence: missense variant.
Genome position (GRCh38, 1-based): chr12:55,696,414, G>T on the plus strand (C>A on the coding strand, the complement: ITGA7 is on the minus strand). VCF-style: chr12-55696414-G-T. GRCh37 (hg19) VCF-style: chr12-56090198-G-T.
Other names: c.1768C>A, p.Leu590Ile (NM_001144996.2); c.1477C>A, p.Leu493Ile (NM_001144997.2); c.1429C>A, p.Leu477Ile (NM_001367993.1); c.412C>A, p.Leu138Ile (NM_001367994.1); c.1738C>A, p.Leu580Ile (NM_001374465.1); c.1888C>A, p.Leu630Ile (NM_001410977.1); c.1750C>A, p.Leu584Ile (NM_001414029.1); c.1681C>A, p.Leu561Ile (NM_001414030.1); and 5 more; short protein forms L586I, L493I, L590I, L477I, L138I, L580I, L630I, L473I.
Identifiers: ClinVar variation 538000 (VCV000538000.8), dbSNP rs1378710493, ClinGen allele CA385187687.

ClinVar aggregate classification (germline): Uncertain significance (1 of 4 stars; one submission).

Conditions:
Congenital muscular dystrophy due to integrin alpha-7 deficiency. Also called: MYOPATHY, CONGENITAL, DUE TO INTEGRIN ALPHA-7 DEFICIENCY; Congenital muscular dystrophy with integrin alpha-7 deficiency; Muscular dystrophy, congenital, due to ITGA7 deficiency. Identifiers: Orphanet 34520, MedGen C2750786, MONDO:0013177, OMIM 613204.

Submission:

Labcorp Genetics (formerly Invitae), Labcorp
Classification: Uncertain significance for Congenital muscular dystrophy due to integrin alpha-7 deficiency. Last evaluated: 2017-09-28. Review status: criteria provided, single submitter. Criteria: Invitae Variant Classification Sherloc (09022015). Collection method: clinical testing. Allele origin: germline.
Comment: This sequence change replaces leucine with isoleucine at codon 586 of the ITGA7 protein (p.Leu586Ile). The leucine residue is moderately conserved and there is a small physicochemical difference between leucine and isoleucine. This variant is not present in population databases (ExAC no frequency). This variant has not been reported in the literature in individuals with ITGA7-related disease. Algorithms developed to predict the effect of missense changes on protein structure and function do not agree on the potential impact of this missense change (SIFT: "Tolerated"; PolyPhen-2: "Probably Damaging"; Align-GVGD: "Class C0"). In summary, the available evidence is currently insufficient to determine the role of this variant in disease. Therefore, it has been classified as a Variant of Uncertain Significance.